The following is an entry in ClinVar:

NM_012210.4(TRIM32):c.238C>T (p.Leu80=)

Genes: ASTN2 (astrotactin 2; minus strand), TRIM32 (tripartite motif containing 32; plus strand). Cytogenetic location: 9q33.1.
Variant type: single nucleotide variant.
Coding change: c.238C>T on transcript NM_012210.4 (MANE Select); coding-DNA position 238, C replaced by T.
Protein change: p.Leu80=; no amino-acid change (leucine 80 retained).
Molecular consequence: synonymous variant. On other transcripts: intron variant (3).
Genome position (GRCh38, 1-based): chr9:116,697,980, C>T. VCF-style: chr9-116697980-C-T. GRCh37 (hg19) VCF-style: chr9-119460259-C-T.
Other names: c.238C>T, p.Leu80= (NM_001099679.2, NM_001379048.1, NM_001379049.1 and 1 more transcripts); c.2653+27791G>A (NM_014010.5); c.2794+27791G>A (NM_001365069.1); c.2806+27791G>A (NM_001365068.1).
Identifiers: ClinVar variation 290913 (VCV000290913.20), dbSNP rs760820148, ClinGen allele CA5210927.

ClinVar aggregate classification (germline): Conflicting classifications of pathogenicity. Review status: criteria provided, conflicting classifications (1 of 4 stars). 5 submissions from 5 submitters: Uncertain significance (2); Likely benign (2). 1 of the submissions does not count toward it. Last evaluated 2025-08-26.

Conditions:
TRIM32-related disorder. Also called: TRIM32-related condition.
Bardet-Biedl syndrome (BBS). Identifiers: Orphanet 110, MedGen C0752166, MONDO:0015229.

Allele frequency attached by ClinVar (database versions not stated): gnomAD exomes 0.00001 and 0.00002; ExAC 0.00002; TOPMed 0.00003; gnomAD 0.00007.
gnomAD v4.1: 22 of 1,614,130 alleles (0.0014%); highest among the groups gnomAD compares: African/African-American, 0.0027%; no homozygotes.

Submissions (5):

Labcorp Genetics (formerly Invitae), Labcorp
Classification: Likely benign for Bardet-Biedl syndrome. Last evaluated: 2025-08-26. Review status: criteria provided, single submitter. Criteria: Invitae Variant Classification Sherloc (09022015). Collection method: clinical testing. Allele origin: germline.

Blueprint Genetics
Classification: Likely benign. Last evaluated: 2020-07-15. Review status: criteria provided, single submitter. Criteria: ACMG Guidelines, 2015. Collection method: clinical testing. Allele origin: germline.

Genetic Services Laboratory, University of Chicago
Classification: Uncertain significance. Last evaluated: 2017-06-27. Review status: criteria provided, single submitter. Criteria: ACMG Guidelines, 2015. Collection method: clinical testing. Allele origin: germline. Affected: no.

Eurofins Ntd Llc (ga)
Classification: Uncertain significance. Last evaluated: 2016-08-24. Review status: criteria provided, single submitter. Criteria: EGL Classification Definitions 2015. Collection method: clinical testing. Allele origin: germline. Observed: 1 variant allele, 1 heterozygote.

PreventionGenetics, part of Exact Sciences
Classification: Likely benign for TRIM32-related condition. Last evaluated: 2023-04-08. Review status: no assertion criteria provided. Collection method: clinical testing. Allele origin: germline. Not counted in ClinVar's aggregate classification.
Comment: This variant is classified as likely benign based on ACMG/AMP sequence variant interpretation guidelines (Richards et al. 2015 PMID: 25741868, with internal and published modifications).